The following is an entry in ClinVar:

NM_004722.4(AP4M1):c.32del (p.Lys11fs)

Gene: AP4M1 (adaptor related protein complex 4 subunit mu 1; plus strand). Cytogenetic location: 7q22.1.
Variant type: Deletion.
Coding change: c.32del on transcript NM_004722.4 (MANE Select); coding-DNA position 32, one base deleted (A; older notation c.32delA).
Protein change: p.Lys11fs; shifts the reading frame from lysine 11.
Molecular consequence: frameshift variant.
Genome position (GRCh38, 1-based): chr7:100,101,746, A deleted; the last of 2 consecutive A bases (chr7:100,101,745-100,101,746); deleting either gives the same sequence. VCF-style (leftmost placement, unchanged base first): chr7-100101744-CA-C. GRCh37 (hg19) VCF-style: chr7-99699367-CA-C.
Other names: c.32del, p.Lys11fs (NM_001363671.2); short protein forms K11fs.
Identifiers: ClinVar variation 210211 (VCV000210211.16), dbSNP rs797045249, ClinGen allele CA347406.

ClinVar aggregate classification (germline): Pathogenic/Likely pathogenic. Review status: criteria provided, multiple submitters, no conflicts (2 of 4 stars). 5 submissions from 5 submitters: Pathogenic (3); Likely pathogenic (1). 1 of the submissions does not count toward it. Last evaluated 2025-11-28.

Conditions:
AP4M1-related disorder. Also called: AP4M1-related condition.
Hereditary spastic paraplegia 50 (SPG50). Also called: Spastic paraplegia 50, autosomal recessive. Identifiers: Orphanet 280763, MedGen C2752008, MONDO:0013048, OMIM 612936.
Intellectual disability. Also called: Intellectual developmental disorder; Intellectual functioning disability; intellectual disabilities. Identifiers: MedGen C3714756, MeSH D008607, MONDO:0001071, HP:0001249.

Submissions (5):

GeneDx
Classification: Pathogenic. Last evaluated: 2025-11-28. Review status: criteria provided, single submitter. Criteria: GeneDx Variant Classification Process June 2021. Collection method: clinical testing. Allele origin: germline. Affected: yes.
Comment: Not observed at significant frequency in large population cohorts (gnomAD); Frameshift variant predicted to result in protein truncation or nonsense mediated decay in a gene for which loss of function is a known mechanism of disease; This variant is associated with the following publications: (PMID: 31589614, 39208719, 32979048)

Labcorp Genetics (formerly Invitae), Labcorp
Classification: Pathogenic for Hereditary spastic paraplegia 50. Last evaluated: 2025-09-23. Review status: criteria provided, single submitter. Criteria: Invitae Variant Classification Sherloc (09022015). Collection method: clinical testing. Allele origin: germline.
Comment: This sequence change creates a premature translational stop signal (p.Lys11Argfs*27) in the AP4M1 gene. It is expected to result in an absent or disrupted protein product. Loss-of-function variants in AP4M1 are known to be pathogenic (PMID: 24700674, 25496299, 25558065). This variant is present in population databases (rs770634405, gnomAD 0.009%). This premature translational stop signal has been observed in individual(s) with hereditary spastic paraplegia 50 (PMID: 32979048). ClinVar contains an entry for this variant (Variation ID: 210211). For these reasons, this variant has been classified as Pathogenic.

PreventionGenetics, part of Exact Sciences
Classification: Pathogenic for AP4M1-related condition. Last evaluated: 2025-01-29. Review status: criteria provided, single submitter. Criteria: ACMG Guidelines, 2015. Collection method: clinical testing. Allele origin: germline.
Comment: The AP4M1 c.32delA variant is predicted to result in a frameshift and premature protein termination (p.Lys11Argfs*27). This variant has been reported in two individuals with hereditary spastic paraplegia (Supplementary Table 2, Ebrahimi-Fakhari et al. 2020. PubMed ID: 32979048; Bartolini et al. 2024. PubMed ID: 39208719). Furthermore, a truncating variant upstream of this position has been reported as pathogenic in compound heterozygous siblings presenting with spastic paraplegia phenotypes (Table 2, Sager et al. 2022. PubMed ID: 33813722). This variant is reported in 0.0087% of alleles in individuals of Latino descent in gnomAD. Frameshift variants are expected to be pathogenic. This variant is consistently classified as likely pathogenic or pathogenic in ClinVar. This variant is interpreted as pathogenic.

Genetic Services Laboratory, University of Chicago
Classification: Likely pathogenic for Spastic paraplegia 50, autosomal recessive. Last evaluated: 2014-04-29. Review status: criteria provided, single submitter. Criteria: ACMG Guidelines, 2007. Collection method: clinical testing. Allele origin: germline. Affected: yes.

Centre de Biologie Pathologie Génétique, Centre Hospitalier Universitaire de Lille
Classification: Likely benign for Intellectual disability. Last evaluated: 2019-01-01. Review status: no assertion criteria provided. Collection method: clinical testing. Allele origin: inherited. Affected: yes. Not counted in ClinVar's aggregate classification.

Literature cited by the submitters: PubMed 24700674 (cited by Labcorp Genetics (formerly Invitae), Labcorp); PubMed 25496299 (cited by Labcorp Genetics (formerly Invitae), Labcorp); PubMed 25558065 (cited by Labcorp Genetics (formerly Invitae), Labcorp); PubMed 32979048 (cited by Labcorp Genetics (formerly Invitae), Labcorp).